The following is an entry in ClinVar:

NM_001384140.1(PCDH15):c.3761del (p.Asn1254fs)

Gene: PCDH15 (protocadherin related 15; minus strand). Cytogenetic location: 10q21.1.
Variant type: Deletion.
Coding change: c.3761del on transcript NM_001384140.1 (MANE Select); coding-DNA position 3761, one base deleted (A; older notation c.3761delA).
Protein change: p.Asn1254fs; shifts the reading frame from asparagine 1254.
Molecular consequence: frameshift variant.
Genome position (GRCh38, 1-based): chr10:53,857,220, T deleted on the plus strand (A on the coding strand, the reverse complement: PCDH15 is on the minus strand); the first of 2 consecutive T bases (chr10:53,857,220-53,857,221); deleting either gives the same sequence. VCF-style (leftmost placement, unchanged base first): chr10-53857219-AT-A. GRCh37 (hg19) VCF-style: chr10-55616979-AT-A.
Other names: c.3776del, p.Asn1259fs (NM_001142763.2, NM_001142771.2); c.3761del, p.Asn1254fs (NM_001142764.2, NM_001142766.2, NM_001142770.3 and 4 more transcripts); c.3548del, p.Asn1183fs (NM_001142765.2); c.3650del, p.Asn1217fs (NM_001142767.2); c.3695del, p.Asn1232fs (NM_001142768.2, NM_001142773.2, NM_001354404.2); c.3796delA, p.Asn1266Metfs (NM_001142769.4); c.3782del, p.Asn1261fs (NM_001354411.2); short protein forms N1183fs, N1217fs, N1232fs, N1254fs, N1259fs, N1261fs, N1266fs.
Identifiers: ClinVar variation 4816372 (VCV004816372.1).
Genomic context (GRCh38, chr10:53,857,219, plus strand): 5'-AGACAAAATCAATTACTCTGTAAGATCTTCTATCTTTTTTTCCACTAGAGTAGGAGGCAC[AT>A]TGGAAACAATGACTTGCATATCCAGCTGATTGACCACGGAGACCTGAAAGAAGAAAAAAC-3'

ClinVar aggregate classification (germline): Likely pathogenic (1 of 4 stars; one submission).

Conditions:
Usher syndrome type 1F (USH1F). Also called: USHER SYNDROME, TYPE IF. Identifiers: Orphanet 231169, Orphanet 886, MedGen C1865885, MONDO:0011186, OMIM 602083.

Submission:

Natera, Inc.
Classification: Likely pathogenic for Usher syndrome type 1F. Last evaluated: 2024-07-23. Review status: criteria provided, single submitter. Criteria: Natera Variant Classification Schema (03/2026). Collection method: clinical testing. Allele origin: germline.
Comment: The c.3761delA variant in PCDH15 is a frameshift variant predicted to shift the reading frame beginning at codon 1254 and leads to a stop codon 6 codons downstream. This variant is expected to result in nonsense mediated decay, truncation, or a dysfunctional protein product. This variant is rare in the general population with a frequency below the threshold expected for the associated phenotype(s). Given the available evidence, this variant is classified as Likely Pathogenic.